The following is an entry in ClinVar:

ClinVar aggregate classification (germline): Uncertain significance (1 of 4 stars; one submission).

Conditions:
Werner syndrome (WRN). Identifiers: Orphanet 902, MedGen C0043119, MONDO:0010196, OMIM 277700.

Submission:

Labcorp Genetics (formerly Invitae), Labcorp
Classification: Uncertain significance for Werner syndrome. Last evaluated: 2023-05-26. Review status: criteria provided, single submitter. Criteria: Invitae Variant Classification Sherloc (09022015). Collection method: clinical testing. Allele origin: germline.
Comment: In summary, the available evidence is currently insufficient to determine the role of this variant in disease. Therefore, it has been classified as a Variant of Uncertain Significance. An algorithm developed to predict the effect of missense changes on protein structure and function (PolyPhen-2) suggests that this variant is likely to be disruptive. This variant has not been reported in the literature in individuals affected with WRN-related conditions. This variant is not present in population databases (gnomAD no frequency). This sequence change replaces threonine, which is neutral and polar, with arginine, which is basic and polar, at codon 1044 of the WRN protein (p.Thr1044Arg).

NM_000553.6(WRN):c.3131C>G (p.Thr1044Arg)

Gene: WRN (WRN RecQ like helicase; plus strand). Cytogenetic location: 8p12.
Variant type: single nucleotide variant.
Coding change: c.3131C>G on transcript NM_000553.6 (MANE Select); coding-DNA position 3131, C replaced by G.
Protein change: p.Thr1044Arg; replaces threonine 1044 with arginine.
Molecular consequence: missense variant.
Genome position (GRCh38, 1-based): chr8:31,141,593, C>G. VCF-style: chr8-31141593-C-G. GRCh37 (hg19) VCF-style: chr8-30999109-C-G.
Other names: short protein forms T1044R.
Identifiers: ClinVar variation 2843450 (VCV002843450.3), dbSNP rs780547284, ClinGen allele CA370922635.